The following is an entry in ClinVar:

ClinVar aggregate classification (germline): Uncertain significance (1 of 4 stars; one submission).

Allele frequency attached by ClinVar (database versions not stated): gnomAD exomes below 0.00001.
gnomAD v4.1: 3 of 1,484,646 alleles (0.0002%); highest among the groups gnomAD compares: Non-Finnish European, 0.00027%; no homozygotes.

Submission:

CeGaT Center for Human Genetics Tuebingen
Classification: Uncertain significance. Last evaluated: 2024-01-01. Review status: criteria provided, single submitter. Criteria: CeGaT Center For Human Genetics Tuebingen Variant Classification Criteria Version 2. Collection method: clinical testing. Allele origin: germline. Affected: yes. Observed: 1 variant allele.
Comment: PIK3R2: PM2

NM_005027.4(PIK3R2):c.2183G>A (p.Arg728His)

Gene: PIK3R2 (phosphoinositide-3-kinase regulatory subunit 2; plus strand). Cytogenetic location: 19p13.11.
Variant type: single nucleotide variant.
Coding change: c.2183G>A on transcript NM_005027.4 (MANE Select); coding-DNA position 2183, G replaced by A.
Protein change: p.Arg728His; replaces arginine 728 with histidine.
Molecular consequence: missense variant. On other transcripts: non-coding transcript variant (2).
Genome position (GRCh38, 1-based): chr19:18,169,290, G>A. VCF-style: chr19-18169290-G-A. GRCh37 (hg19) VCF-style: chr19-18280100-G-A.
Other names: c.2183G>A, p.Arg728His (LRG_1392t1); short protein forms R728H.
Identifiers: ClinVar variation 493250 (VCV000493250.43), dbSNP rs917457445, ClinGen allele CA404817642.